The following is an entry in ClinVar:

NM_001382391.1(CSPP1):c.3640G>T (p.Gly1214Cys)

Genes: ARFGEF1 (ARF guanine nucleotide exchange factor 1; minus strand), CSPP1 (centrosome and spindle pole associated protein 1; plus strand). Cytogenetic location: 8q13.2.
Variant type: single nucleotide variant.
Coding change: c.3640G>T on transcript NM_001382391.1 (MANE Select); coding-DNA position 3640, G replaced by T.
Protein change: p.Gly1214Cys; replaces glycine 1214 with cysteine.
Molecular consequence: missense variant. On other transcripts: 3 prime UTR variant (1), intron variant (2).
Genome position (GRCh38, 1-based): chr8:67,195,552, G>T. VCF-style: chr8-67195552-G-T. GRCh37 (hg19) VCF-style: chr8-68107787-G-T.
Other names: c.2590G>T, p.Gly864Cys (NM_001291339.2); c.3559G>T, p.Gly1187Cys (NM_001363131.2); c.3445G>T, p.Gly1149Cys (NM_001363132.2); c.3364G>T, p.Gly1122Cys (NM_001363133.2); c.3706G>T, p.Gly1236Cys (NM_001364869.1); c.3526G>T, p.Gly1176Cys (NM_001364870.1); c.3472G>T, p.Gly1158Cys (NM_001438330.1); c.*132G>T (NM_001438331.1); and 4 more; short protein forms G1187C, G1214C, G1122C, G1149C, G1209C, G864C, G1176C, G1236C.
Identifiers: ClinVar variation 2167836 (VCV002167836.3), dbSNP rs2491094344, ClinGen allele CA371204569.

ClinVar aggregate classification (germline): Uncertain significance (1 of 4 stars; one submission).

Conditions:
Joubert syndrome 21 (JBTS21). Identifiers: MedGen C3810212, MONDO:0014288, OMIM 615636.

Allele frequency attached by ClinVar (database versions not stated): gnomAD exomes below 0.00001.
gnomAD v4.1: 1 of 1,614,190 alleles (0.000062%); highest among the groups gnomAD compares: East Asian, 0.0022%; no homozygotes.

Submission:

Labcorp Genetics (formerly Invitae), Labcorp
Classification: Uncertain significance for Joubert syndrome 21. Last evaluated: 2022-08-22. Review status: criteria provided, single submitter. Criteria: Invitae Variant Classification Sherloc (09022015). Collection method: clinical testing. Allele origin: germline.
Comment: In summary, the available evidence is currently insufficient to determine the role of this variant in disease. Therefore, it has been classified as a Variant of Uncertain Significance. Algorithms developed to predict the effect of missense changes on protein structure and function are either unavailable or do not agree on the potential impact of this missense change (SIFT: "Tolerated"; PolyPhen-2: "Probably Damaging"; Align-GVGD: "Class C0"). This variant has not been reported in the literature in individuals affected with CSPP1-related conditions. This variant is not present in population databases (gnomAD no frequency). This sequence change replaces glycine, which is neutral and non-polar, with cysteine, which is neutral and slightly polar, at codon 1209 of the CSPP1 protein (p.Gly1209Cys).